The following is an entry in ClinVar:

NM_004304.5(ALK):c.4074-3T>C

Gene: ALK (ALK receptor tyrosine kinase; minus strand). Cytogenetic location: 2p23.2.
Variant type: single nucleotide variant.
Coding change: c.4074-3T>C on transcript NM_004304.5 (MANE Select); 3 bases into the intron before coding-DNA position 4074, T replaced by C.
Molecular consequence: intron variant.
Genome position (GRCh38, 1-based): chr2:29,196,863, A>G on the plus strand (T>C on the coding strand, the complement: ALK is on the minus strand). VCF-style: chr2-29196863-A-G. GRCh37 (hg19) VCF-style: chr2-29419729-A-G.
Other names: c.870-3T>C (NM_001353765.2).
Identifiers: ClinVar variation 938125 (VCV000938125.13), dbSNP rs770544095, ClinGen allele CA1593669.

ClinVar aggregate classification (germline): Uncertain significance. Review status: criteria provided, multiple submitters, no conflicts (2 of 4 stars). 2 submissions from 2 submitters: Uncertain significance (2). Last evaluated 2026-01-26.

Conditions:
Hereditary cancer-predisposing syndrome. Also called: Tumor predisposition; Hereditary neoplastic syndrome; Neoplastic Syndromes, Hereditary; Hereditary Cancer Syndrome. Identifiers: Orphanet 140162, MedGen C0027672, MeSH D009386, MONDO:0015356.
Neuroblastoma, susceptibility to, 3. Also called: ALK-Related Neuroblastic Tumor Susceptibility. Identifiers: Orphanet 635, MedGen C2751681, MONDO:0013083, OMIM 613014.

Allele frequency attached by ClinVar (database versions not stated): gnomAD exomes below 0.00001; TOPMed below 0.00001; ExAC 0.00001.
gnomAD v4.1: 6 of 1,606,426 alleles (0.00037%); highest among the groups gnomAD compares: South Asian, 0.0022%; no homozygotes.

Submissions (2):

Labcorp Genetics (formerly Invitae), Labcorp
Classification: Uncertain significance for Neuroblastoma, susceptibility to, 3. Last evaluated: 2026-01-26. Review status: criteria provided, single submitter. Criteria: Invitae Variant Classification Sherloc (09022015). Collection method: clinical testing. Allele origin: germline.
Comment: This sequence change falls in intron 27 of the ALK gene. It does not directly change the encoded amino acid sequence of the ALK protein. It affects a nucleotide within the consensus splice site. The frequency data for this variant in the population databases is considered unreliable, as metrics indicate poor data quality at this position in the gnomAD database. This variant has not been reported in the literature in individuals affected with ALK-related conditions. ClinVar contains an entry for this variant (Variation ID: 938125). Variants that disrupt the consensus splice site are a relatively common cause of aberrant splicing (PMID: 17576681, 9536098). Algorithms developed to predict the effect of sequence changes on RNA splicing suggest that this variant is not likely to affect RNA splicing. In summary, the available evidence is currently insufficient to determine the role of this variant in disease. Therefore, it has been classified as a Variant of Uncertain Significance.

Ambry Genetics
Classification: Uncertain significance for Hereditary cancer-predisposing syndrome. Last evaluated: 2024-12-17. Review status: criteria provided, single submitter. Criteria: Ambry Variant Classification Scheme 2023. Collection method: clinical testing. Allele origin: germline.
Comment: The c.4074-3T>C intronic variant results from a T to C substitution 3 nucleotides upstream from coding exon 28 in the ALK gene. This nucleotide position is not well conserved in available vertebrate species. In silico splice site analysis predicts that this alteration will not have any significant effect on splicing. Based on the available evidence, the clinical significance of this variant remains unclear.

Literature cited by the submitters: PubMed 17576681 (cited by Labcorp Genetics (formerly Invitae), Labcorp); PubMed 9536098 (cited by Labcorp Genetics (formerly Invitae), Labcorp).